The following is an entry in ClinVar:

ClinVar aggregate classification (germline): Likely benign (0 of 4 stars; one submission).

Conditions:
SCYL1-related disorder. Also called: SCYL1-related condition.

Submission:

PreventionGenetics, part of Exact Sciences
Classification: Likely benign for SCYL1-related condition. Last evaluated: 2023-04-13. Review status: no assertion criteria provided. Collection method: clinical testing. Allele origin: germline.
Comment: This variant is classified as likely benign based on ACMG/AMP sequence variant interpretation guidelines (Richards et al. 2015 PMID: 25741868, with internal and published modifications).

NM_020680.4(SCYL1):c.1576-7C>T

Gene: SCYL1 (SCY1 like pseudokinase 1; plus strand). Cytogenetic location: 11q13.1.
Variant type: single nucleotide variant.
Coding change: c.1576-7C>T on transcript NM_020680.4 (MANE Select); 7 bases into the intron before coding-DNA position 1576, C replaced by T.
Molecular consequence: intron variant.
Genome position (GRCh38, 1-based): chr11:65,536,252, C>T. VCF-style: chr11-65536252-C-T. GRCh37 (hg19) VCF-style: chr11-65303723-C-T.
Other names: c.1576-7C>T (NM_001411022.1, NM_001048218.2).
Identifiers: ClinVar variation 3029469 (VCV003029469.2), dbSNP rs1855636876, ClinGen allele CA1979268521.